The following is an entry in ClinVar:

ClinVar aggregate classification (germline): Uncertain significance (1 of 4 stars; one submission).

Conditions:
ESPN-related disorder. Also called: ESPN-related condition.

gnomAD v4.1: 20 of 1,613,328 alleles (0.0012%); highest among the groups gnomAD compares: East Asian, 0.0022%; no homozygotes.

Submission:

PreventionGenetics, part of Exact Sciences
Classification: Uncertain significance for ESPN-related condition. Last evaluated: 2025-12-24. Review status: criteria provided, single submitter. Criteria: ACMG Guidelines, 2015. Collection method: clinical testing. Allele origin: germline.
Comment: The ESPN c.343G>A variant is predicted to result in the amino acid substitution p.Gly115Ser. To our knowledge, this variant has not been reported in the literature. This variant is reported in 0.0065% of alleles in individuals of South Asian descent in gnomAD. At this time, the clinical significance of this variant is uncertain due to the absence of conclusive functional and genetic evidence.

NM_031475.3(ESPN):c.343G>A (p.Gly115Ser)

Gene: ESPN (espin; plus strand). Cytogenetic location: 1p36.31.
Variant type: single nucleotide variant.
Coding change: c.343G>A on transcript NM_031475.3 (MANE Select); coding-DNA position 343, G replaced by A.
Protein change: p.Gly115Ser; replaces glycine 115 with serine.
Molecular consequence: missense variant.
Genome position (GRCh38, 1-based): chr1:6,428,274, G>A. VCF-style: chr1-6428274-G-A. GRCh37 (hg19) VCF-style: chr1-6488334-G-A.
Other names: c.343G>A, p.Gly115Ser (NM_001367473.1, NM_001367474.1); short protein forms G115S.
Identifiers: ClinVar variation 4983006 (VCV004983006.1).